The following is an entry in ClinVar:

ClinVar aggregate classification (germline): Likely benign. Review status: criteria provided, multiple submitters, no conflicts (2 of 4 stars). 2 submissions from 2 submitters: Likely benign (2). Last evaluated 2026-05-17.

Conditions:
Polycystic kidney disease, adult type (PKD1). Also called: Polycystic Kidney Disease 1, Autosomal Dominant; Polycystic kidney disease 1; Polycystic kidney disease 1, severe; Polycystic Kidney, Autosomal Dominant; POLYCYSTIC KIDNEY DISEASE, ADULT, TYPE I; POLYCYSTIC KIDNEY DISEASE 1 WITH OR WITHOUT POLYCYSTIC LIVER DISEASE. Identifiers: MedGen C3149841, MONDO:0008263, OMIM 173900.
PKD1-related disorder. Also called: PKD1-related condition.

gnomAD v4.1: 21 of 1,597,272 alleles (0.0013%); highest among the groups gnomAD compares: Admixed American, 0.032%; no homozygotes.

Submissions (2):

PreventionGenetics, part of Exact Sciences
Classification: Likely benign for PKD1-related condition. Last evaluated: 2026-05-17. Review status: criteria provided, single submitter. Criteria: ACMG Guidelines, 2015. Collection method: clinical testing. Allele origin: germline.
Comment: This variant is classified as likely benign based on ACMG/AMP sequence variant interpretation guidelines (Richards et al. 2015 PMID: 25741868, with internal and published modifications).

Fulgent Genetics
Classification: Likely benign for Polycystic kidney disease, adult type. Last evaluated: 2024-01-06. Review status: criteria provided, single submitter. Criteria: ACMG Guidelines, 2015. Collection method: clinical testing. Allele origin: germline.

NM_001009944.3(PKD1):c.6915+3C>G

Gene: PKD1 (polycystin 1, transient receptor potential channel interacting; minus strand). Cytogenetic location: 16p13.3.
Variant type: single nucleotide variant.
Coding change: c.6915+3C>G on transcript NM_001009944.3 (MANE Select); 3 bases into the intron after coding-DNA position 6915, C replaced by G.
Molecular consequence: intron variant.
Genome position (GRCh38, 1-based): chr16:2,108,249, G>C on the plus strand (C>G on the coding strand, the complement: PKD1 is on the minus strand). VCF-style: chr16-2108249-G-C. GRCh37 (hg19) VCF-style: chr16-2158250-G-C.
Other names: c.6915+3C>G (NM_000296.4, NM_001009944.2).
Identifiers: ClinVar variation 3579320 (VCV003579320.2).